The following is an entry in ClinVar:

ClinVar aggregate classification (germline): Uncertain significance (1 of 4 stars; one submission).

Allele frequency attached by ClinVar (database versions not stated): ESP Exome Variant Server 0.00008; gnomAD exomes 0.00020 and 0.00021; TOPMed 0.00020; gnomAD 0.00024 and 0.00027; ExAC 0.00027; 1000 Genomes Project 30x 0.00062; 1000 Genomes Project 0.00080.

Submission:

Labcorp Genetics (formerly Invitae), Labcorp
Classification: Uncertain significance. Last evaluated: 2024-09-11. Review status: criteria provided, single submitter. Criteria: Invitae Variant Classification Sherloc (09022015). Collection method: clinical testing. Allele origin: germline.
Comment: This sequence change replaces proline, which is neutral and non-polar, with leucine, which is neutral and non-polar, at codon 287 of the NFATC1 protein (p.Pro287Leu). This variant is present in population databases (rs200533002, gnomAD 0.1%), and has an allele count higher than expected for a pathogenic variant. This variant has not been reported in the literature in individuals affected with NFATC1-related conditions. ClinVar contains an entry for this variant (Variation ID: 972943). An algorithm developed to predict the effect of missense changes on protein structure and function (PolyPhen-2) suggests that this variant is likely to be disruptive. In summary, the available evidence is currently insufficient to determine the role of this variant in disease. Therefore, it has been classified as a Variant of Uncertain Significance.

NM_001278669.2(NFATC1):c.860C>T (p.Pro287Leu)

Gene: NFATC1 (nuclear factor of activated T cells 1; plus strand). Cytogenetic location: 18q23.
Variant type: single nucleotide variant.
Coding change: c.860C>T on transcript NM_001278669.2 (MANE Select); coding-DNA position 860, C replaced by T.
Protein change: p.Pro287Leu; replaces proline 287 with leucine.
Molecular consequence: missense variant. On other transcripts: intron variant (2).
Genome position (GRCh38, 1-based): chr18:79,411,135, C>T. VCF-style: chr18-79411135-C-T. GRCh37 (hg19) VCF-style: chr18-77171135-C-T.
Other names: c.860C>T, p.Pro287Leu (NM_001278670.2, NM_006162.5, NM_172390.3); c.821C>T, p.Pro274Leu (NM_001278672.2, NM_001278675.2, NM_172387.3 and 1 more transcripts); c.-191+14784C>T (NM_172388.3); c.-191+10656C>T (NM_001278673.2); short protein forms P287L, P274L.
Identifiers: ClinVar variation 972943 (VCV000972943.7), dbSNP rs200533002, ClinGen allele CA9008954.
Genomic context (GRCh38, chr18:79,411,135, plus strand): 5'-AGTACAGCCTCAACGGCCGGCAGCCGCCCTACTCACCCCACCACTCGCCCACGCCGTCCC[C>T]GCACGGCTCCCCGCGGGTCAGCGTGACCGACGACTCGTGGTTGGGCAACACCACCCAGTA-3'
Protein context (NP_001265598.1, residues 277-297): YSPHHSPTPS[Pro287Leu]HGSPRVSVTD